The following is an entry in ClinVar:

NM_006206.6(PDGFRA):c.1009G>T (p.Val337Leu)

Gene: PDGFRA (platelet derived growth factor receptor alpha; plus strand). Cytogenetic location: 4q12.
Variant type: single nucleotide variant.
Coding change: c.1009G>T on transcript NM_006206.6 (MANE Select); coding-DNA position 1009, G replaced by T.
Protein change: p.Val337Leu; replaces valine 337 with leucine.
Molecular consequence: missense variant.
Genome position (GRCh38, 1-based): chr4:54,267,629, G>T. VCF-style: chr4-54267629-G-T. GRCh37 (hg19) VCF-style: chr4-55133796-G-T.
Other names: c.1009G>T, p.Val337Leu (NM_001347827.2, NM_001347829.2); c.1084G>T, p.Val362Leu (NM_001347828.2); c.1048G>T, p.Val350Leu (NM_001347830.2); short protein forms V337L, V350L, V362L.
Identifiers: ClinVar variation 1010915 (VCV001010915.19), dbSNP rs1723113653, ClinGen allele CA356891604.

ClinVar aggregate classification (germline): Uncertain significance. Review status: criteria provided, multiple submitters, no conflicts (2 of 4 stars). 3 submissions from 3 submitters: Uncertain significance (3). Last evaluated 2025-07-17.

Conditions:
Hereditary cancer-predisposing syndrome. Also called: Neoplastic Syndromes, Hereditary; Hereditary Cancer Syndrome; Hereditary neoplastic syndrome; Tumor predisposition. Identifiers: Orphanet 140162, MedGen C0027672, MeSH D009386, MONDO:0015356.
Gastrointestinal stromal tumor. Also called: Gastrointestinal stromal tumor, somatic; Gastrointestinal stroma tumor. Identifiers: Orphanet 44890, MedGen C0238198, MeSH D046152, MONDO:0011719, OMIM 606764, HP:0100723.

Submissions (3):

Labcorp Genetics (formerly Invitae), Labcorp
Classification: Uncertain significance for Gastrointestinal stromal tumor. Last evaluated: 2025-07-17. Review status: criteria provided, single submitter. Criteria: Invitae Variant Classification Sherloc (09022015). Collection method: clinical testing. Allele origin: germline.
Comment: This sequence change replaces valine, which is neutral and non-polar, with leucine, which is neutral and non-polar, at codon 337 of the PDGFRA protein (p.Val337Leu). This variant is not present in population databases (gnomAD no frequency). This variant has not been reported in the literature in individuals affected with PDGFRA-related conditions. ClinVar contains an entry for this variant (Variation ID: 1010915). Invitae Evidence Modeling of protein sequence and biophysical properties (such as structural, functional, and spatial information, amino acid conservation, physicochemical variation, residue mobility, and thermodynamic stability) indicates that this missense variant is not expected to disrupt PDGFRA protein function with a negative predictive value of 80%. In summary, the available evidence is currently insufficient to determine the role of this variant in disease. Therefore, it has been classified as a Variant of Uncertain Significance.

Ambry Genetics
Classification: Uncertain significance for Hereditary cancer-predisposing syndrome. Last evaluated: 2025-03-16. Review status: criteria provided, single submitter. Criteria: Ambry Variant Classification Scheme 2023. Collection method: clinical testing. Allele origin: germline.
Comment: The p.V337L variant (also known as c.1009G>T), located in coding exon 6 of the PDGFRA gene, results from a G to T substitution at nucleotide position 1009. The valine at codon 337 is replaced by leucine, an amino acid with highly similar properties. This amino acid position is conserved. In addition, the in silico prediction for this alteration is inconclusive. Since supporting evidence is limited at this time, the clinical significance of this alteration remains unclear.

GeneDx
Classification: Uncertain significance. Last evaluated: 2024-07-12. Review status: criteria provided, single submitter. Criteria: GeneDx Variant Classification Process June 2021. Collection method: clinical testing. Allele origin: germline. Affected: yes.
Comment: Not observed at significant frequency in large population cohorts (gnomAD); In silico analysis indicates that this missense variant does not alter protein structure/function; Has not been previously published as pathogenic or benign to our knowledge